The following is an entry in ClinVar:

ClinVar aggregate classification (germline): Pathogenic. Review status: criteria provided, multiple submitters, no conflicts (2 of 4 stars). 2 submissions from 2 submitters: Pathogenic (2). Last evaluated 2025-06-28.

Conditions:
Methylmalonic aciduria due to methylmalonyl-CoA mutase deficiency (MAMM). Also called: Methylmalonic aciduria, mut type. Identifiers: Orphanet 27, MedGen C1855114, MONDO:0009612, OMIM 251000.

Allele frequency attached by ClinVar (database versions not stated): gnomAD exomes below 0.00001.
gnomAD v4.1: 1 of 1,613,866 alleles (0.000062%); highest among the groups gnomAD compares: Non-Finnish European, 0.000085%; no homozygotes.

Submissions (2):

Immunogenetics and Transplant Biology Service, University Hospital "Città della Salute e della Scienza di Torino"
Classification: Pathogenic for Methylmalonic aciduria due to methylmalonyl-CoA mutase deficiency. Last evaluated: 2025-06-28. Review status: criteria provided, single submitter. Criteria: ACMG Guidelines, 2015. Collection method: clinical testing. Allele origin: germline. Affected: yes.

Labcorp Genetics (formerly Invitae), Labcorp
Classification: Pathogenic. Last evaluated: 2023-08-08. Review status: criteria provided, single submitter. Criteria: Invitae Variant Classification Sherloc (09022015). Collection method: clinical testing. Allele origin: germline.
Comment: This sequence change creates a premature translational stop signal (p.Gln35*) in the MUT gene. It is expected to result in an absent or disrupted protein product. Loss-of-function variants in MUT are known to be pathogenic (PMID: 15781192). This variant is present in population databases (no rsID available, gnomAD 0.01%). This premature translational stop signal has been observed in individual(s) with methylmalonic aciduria (PMID: 23430940). For these reasons, this variant has been classified as Pathogenic.

Literature cited by the submitters: PubMed 15781192 (cited by Labcorp Genetics (formerly Invitae), Labcorp); PubMed 23430940 (cited by Labcorp Genetics (formerly Invitae), Labcorp).

NM_000255.4(MMUT):c.103C>T (p.Gln35Ter)

Gene: MMUT (methylmalonyl-CoA mutase; minus strand). Cytogenetic location: 6p12.3.
Variant type: single nucleotide variant.
Coding change: c.103C>T on transcript NM_000255.4 (MANE Select); coding-DNA position 103, C replaced by T.
Protein change: p.Gln35Ter; replaces glutamine 35 with a stop codon.
Molecular consequence: nonsense.
Genome position (GRCh38, 1-based): chr6:49,459,364, G>A on the plus strand (C>T on the coding strand, the complement: MMUT is on the minus strand). VCF-style: chr6-49459364-G-A. GRCh37 (hg19) VCF-style: chr6-49427077-G-A.
Other names: short protein forms Q35*.
Identifiers: ClinVar variation 2734899 (VCV002734899.4), dbSNP rs1356455272, ClinGen allele CA364405751.